The following is an entry in ClinVar:

NM_018249.6(CDK5RAP2):c.4805G>A (p.Arg1602His)

Gene: CDK5RAP2 (CDK5 regulatory subunit associated protein 2; minus strand). Cytogenetic location: 9q33.2.
Variant type: single nucleotide variant.
Coding change: c.4805G>A on transcript NM_018249.6 (MANE Select); coding-DNA position 4805, G replaced by A.
Protein change: p.Arg1602His; replaces arginine 1602 with histidine.
Molecular consequence: missense variant. On other transcripts: non-coding transcript variant (5), intron variant (1).
Genome position (GRCh38, 1-based): chr9:120,407,170, C>T on the plus strand (G>A on the coding strand, the complement: CDK5RAP2 is on the minus strand). VCF-style: chr9-120407170-C-T. GRCh37 (hg19) VCF-style: chr9-123169448-C-T.
Other names: c.4115G>A, p.Arg1372His (NM_001272039.2); c.4706G>A, p.Arg1569His (NM_001410992.1); c.4709G>A, p.Arg1570His (NM_001410993.1); c.4802G>A, p.Arg1601His (NM_001410994.1); c.4726+1177G>A (NM_001011649.3); short protein forms R1570H, R1602H, R1569H, R1601H, R1372H.
Identifiers: ClinVar variation 2123043 (VCV002123043.4), dbSNP rs754501128, ClinGen allele CA5213443.
Genomic context (GRCh38, chr9:120,407,170, plus strand): 5'-TGTTCCTTGAGCCTGCTCTGCAGAGTGCTGCTGGTTTCGATGCTCCTTTCTAGTTGCAAG[C>T]GCAGAGCCTGGATCTCCATCAGGAGGCTGTGCAGGTCCCTGAAAGGATCCTGCCCCTTCC-3'
Protein context (NP_060719.4, residues 1592-1612): HSLLMEIQAL[Arg1602His]LQLERSIETS

ClinVar aggregate classification (germline): Uncertain significance (1 of 4 stars; one submission).

Allele frequency attached by ClinVar (database versions not stated): ExAC 0.00001.
gnomAD v4.1: 3 of 1,613,976 alleles (0.00019%); highest among the groups gnomAD compares: East Asian, 0.0022%; no homozygotes.

Submission:

Labcorp Genetics (formerly Invitae), Labcorp
Classification: Uncertain significance. Last evaluated: 2023-10-03. Review status: criteria provided, single submitter. Criteria: Invitae Variant Classification Sherloc (09022015). Collection method: clinical testing. Allele origin: germline.
Comment: This sequence change replaces arginine, which is basic and polar, with histidine, which is basic and polar, at codon 1602 of the CDK5RAP2 protein (p.Arg1602His). This variant is present in population databases (rs754501128, gnomAD 0.003%). This variant has not been reported in the literature in individuals affected with CDK5RAP2-related conditions. ClinVar contains an entry for this variant (Variation ID: 2123043). An algorithm developed to predict the effect of missense changes on protein structure and function (PolyPhen-2) suggests that this variant is likely to be tolerated. In summary, the available evidence is currently insufficient to determine the role of this variant in disease. Therefore, it has been classified as a Variant of Uncertain Significance.